The following is an entry in ClinVar:

NM_003235.5(TG):c.3583G>A (p.Gly1195Arg)

Gene: TG (thyroglobulin; plus strand). Cytogenetic location: 8q24.22.
Variant type: single nucleotide variant.
Coding change: c.3583G>A on transcript NM_003235.5 (MANE Select); coding-DNA position 3583, G replaced by A.
Protein change: p.Gly1195Arg; replaces glycine 1195 with arginine.
Molecular consequence: missense variant.
Genome position (GRCh38, 1-based): chr8:132,901,502, G>A. VCF-style: chr8-132901502-G-A. GRCh37 (hg19) VCF-style: chr8-133913747-G-A.
Other names: short protein forms G1195R.
Identifiers: ClinVar variation 361946 (VCV000361946.45), dbSNP rs138469414, ClinGen allele CA4883785.

ClinVar aggregate classification (germline): Conflicting classifications of pathogenicity. Review status: criteria provided, conflicting classifications (1 of 4 stars). 7 submissions from 7 submitters: Uncertain significance (1); Benign (1); Likely benign (3). 2 of the submissions do not count toward it. Last evaluated 2026-01-19.

Conditions:
TG-related disorder. Also called: TG-related condition; TG-related disorders.
Congenital hypothyroidism. Identifiers: Orphanet 442, MedGen C0010308, MONDO:0018612, HP:0000851.
Iodotyrosyl coupling defect (TDH3). Also called: HYPOTHYROIDISM, CONGENITAL, DUE TO DYSHORMONOGENESIS, 3; THYROID HORMONOGENESIS, GENETIC DEFECT IN, 3. Identifiers: Orphanet 95716, MedGen C0342194, MONDO:0010135, OMIM 274700.

Allele frequency attached by ClinVar (database versions not stated): 1000 Genomes Project 30x 0.00047; 1000 Genomes Project 0.00060; TOPMed 0.00087; ExAC 0.00170; ESP Exome Variant Server 0.00185; gnomAD 0.00188 and 0.00197; gnomAD exomes 0.00217 and 0.00230.
gnomAD v4.1: 3,594 of 1,614,082 alleles (0.22%); highest among the groups gnomAD compares: Non-Finnish European, 0.23%; 11 homozygotes.

Submissions (7):

Labcorp Genetics (formerly Invitae), Labcorp
Classification: Benign. Last evaluated: 2026-01-19. Review status: criteria provided, single submitter. Criteria: Invitae Variant Classification Sherloc (09022015). Collection method: clinical testing. Allele origin: germline.

Cambridge Genomics Laboratory, East Genomic Laboratory Hub, NHS Genomic Medicine Service
Classification: Likely benign for Congenital hypothyroidism. Last evaluated: 2025-06-17. Review status: criteria provided, single submitter. Criteria: ACGS Best Practice Guidelines for Variant Classification in Rare Disease 2020. Collection method: clinical testing. Allele origin: germline. Affected: yes.
Comment: BS1_Strong

PreventionGenetics, part of Exact Sciences
Classification: Likely benign for TG-related condition. Last evaluated: 2025-05-29. Review status: criteria provided, single submitter. Criteria: ACMG Guidelines, 2015. Collection method: clinical testing. Allele origin: germline.
Comment: This variant is classified as likely benign based on ACMG/AMP sequence variant interpretation guidelines (Richards et al. 2015 PMID: 25741868, with internal and published modifications).

CeGaT Center for Human Genetics Tuebingen
Classification: Likely benign. Last evaluated: 2025-05-01. Review status: criteria provided, single submitter. Criteria: CeGaT Center For Human Genetics Tuebingen Variant Classification Criteria Version 2. Collection method: clinical testing. Allele origin: germline. Affected: yes. Observed: 3 variant alleles.
Comment: TG: BS1

Illumina Laboratory Services, Illumina
Classification: Uncertain significance for Iodotyrosyl coupling defect. Last evaluated: 2018-01-12. Review status: criteria provided, single submitter. Criteria: ICSL Variant Classification Criteria 13 December 2019. Collection method: clinical testing. Allele origin: germline.

Clinical Genetics DNA and cytogenetics Diagnostics Lab, Erasmus MC, Erasmus Medical Center
Classification: Benign. Review status: no assertion criteria provided. Collection method: clinical testing. Allele origin: germline. Affected: yes. Study: VKGL Data-share Consensus. Not counted in ClinVar's aggregate classification.

Clinical Genetics, Academic Medical Center
Classification: Likely benign. Review status: no assertion criteria provided. Collection method: clinical testing. Allele origin: germline. Affected: yes. Study: VKGL Data-share Consensus. Not counted in ClinVar's aggregate classification.